The following is an entry in ClinVar:

NM_201384.3(PLEC):c.7297A>G (p.Thr2433Ala)

Gene: PLEC (plectin; minus strand). Cytogenetic location: 8q24.3.
Variant type: single nucleotide variant.
Coding change: c.7297A>G on transcript NM_201384.3 (MANE Select); coding-DNA position 7297, A replaced by G.
Protein change: p.Thr2433Ala; replaces threonine 2433 with alanine.
Molecular consequence: missense variant. On other transcripts: intron variant (1).
Genome position (GRCh38, 1-based): chr8:143,922,632, T>C on the plus strand (A>G on the coding strand, the complement: PLEC is on the minus strand). VCF-style: chr8-143922632-T-C. GRCh37 (hg19) VCF-style: chr8-144996800-T-C.
Other names: c.7201A>G, p.Thr2401Ala (NM_201381.3); c.7297A>G, p.Thr2433Ala (NM_201382.4); c.7309A>G, p.Thr2437Ala (NM_201383.3); c.4126-237A>G (NM_001410941.1); c.7378A>G, p.Thr2460Ala (NM_000445.5); c.7255A>G, p.Thr2419Ala (NM_201378.4); c.7231A>G, p.Thr2411Ala (NM_201379.3); c.7708A>G, p.Thr2570Ala (NM_201380.4); short protein forms T2419A, T2401A, T2433A, T2437A, T2460A, T2411A, T2570A.
Identifiers: ClinVar variation 4794926 (VCV004794926.1).
Genomic context (GRCh38, chr8:143,922,632, plus strand): 5'-CGATGGCCTCCCGCAGGCGCTCGGCATCATGGTCACTCTGCTGTCGCTGGATCTCCAGTG[T>C]CTGCACCAGGGTCACCTTCTCCTGGGTGGCGAGCTCCGTGCGGTGCAGCTTCTCACCGAT-3'
Protein context (NP_958786.1, residues 2423-2443): ATQEKVTLVQ[Thr2433Ala]LEIQRQQSDH

ClinVar aggregate classification (germline): Uncertain significance (1 of 4 stars; one submission).

Conditions:
Epidermolysis bullosa simplex 5B, with muscular dystrophy (EBS5B). Also called: EPIDERMOLYSIS BULLOSA SIMPLEX AND LIMB-GIRDLE MUSCULAR DYSTROPHY; Epidermolysis bullosa simplex with muscular dystrophy. Identifiers: Orphanet 257, MedGen C2931072, MONDO:0009181, OMIM 226670.
Epidermolysis bullosa simplex, Ogna type (EBS5A). Also called: Pidermolysis bullosa simplex 5A, Ogna type; EPIDERMOLYSIS BULLOSA SIMPLEX 5A, OGNA TYPE. Identifiers: Orphanet 79401, MedGen C0432317, MONDO:0007555, OMIM 131950.
Epidermolysis bullosa simplex 5C, with pyloric atresia (EBS5C). Also called: Epidermolysis bullosa simplex with pyloric atresia; PLEC-Related Epidermolysis Bullosa with Pyloric Atresia; PLEC1-Related Epidermolysis Bullosa with Pyloric Atresia. Identifiers: Orphanet 158684, MedGen C2677349, MONDO:0012807, OMIM 612138.
Autosomal recessive limb-girdle muscular dystrophy type 2Q (LGMDR17). Also called: MUSCULAR DYSTROPHY, LIMB-GIRDLE, AUTOSOMAL RECESSIVE 17. Identifiers: Orphanet 254361, MedGen C3150989, MONDO:0013390, OMIM 613723.
Epidermolysis bullosa simplex with nail dystrophy (EBS5D). Identifiers: MedGen C4225309, MONDO:0014661, OMIM 616487.

gnomAD v4.1: 4 of 1,613,576 alleles (0.00025%); highest among the groups gnomAD compares: Admixed American, 0.005%; no homozygotes.

Submission:

Labcorp Genetics (formerly Invitae), Labcorp
Classification: Uncertain significance for Autosomal recessive limb-girdle muscular dystrophy type 2Q; Epidermolysis bullosa simplex, Ogna type; Epidermolysis bullosa simplex with nail dystrophy; Epidermolysis bullosa simplex 5C, with pyloric atresia; Epidermolysis bullosa simplex 5B, with muscular dystrophy. Last evaluated: 2025-10-23. Review status: criteria provided, single submitter. Criteria: Invitae Variant Classification Sherloc (09022015). Collection method: clinical testing. Allele origin: germline.
Comment: This sequence change replaces threonine, which is neutral and polar, with alanine, which is neutral and non-polar, at codon 2460 of the PLEC protein (p.Thr2460Ala). This variant is present in population databases (rs782190674, gnomAD 0.006%). This variant has not been reported in the literature in individuals affected with PLEC-related conditions. An algorithm developed to predict the effect of missense changes on protein structure and function (PolyPhen-2) suggests that this variant is likely to be disruptive. In summary, the available evidence is currently insufficient to determine the role of this variant in disease. Therefore, it has been classified as a Variant of Uncertain Significance.